The following is an entry in ClinVar:

NM_005428.4(VAV1):c.1012C>T (p.Leu338Phe)

Gene: VAV1 (vav guanine nucleotide exchange factor 1; plus strand). Cytogenetic location: 19p13.3.
Variant type: single nucleotide variant.
Coding change: c.1012C>T on transcript NM_005428.4 (MANE Select); coding-DNA position 1012, C replaced by T.
Protein change: p.Leu338Phe; replaces leucine 338 with phenylalanine.
Molecular consequence: missense variant.
Genome position (GRCh38, 1-based): chr19:6,828,160, C>T. VCF-style: chr19-6828160-C-T. GRCh37 (hg19) VCF-style: chr19-6828171-C-T.
Other names: c.1012C>T, p.Leu338Phe (NM_001258206.2); c.916C>T, p.Leu306Phe (NM_001258207.2); short protein forms L306F, L338F.
Identifiers: ClinVar variation 1716542 (VCV001716542.5), dbSNP rs2512369352, ClinGen allele CA403620641.

ClinVar aggregate classification (germline): Uncertain significance (1 of 4 stars; one submission).

Submission:

Labcorp Genetics (formerly Invitae), Labcorp
Classification: Uncertain significance. Last evaluated: 2022-08-16. Review status: criteria provided, single submitter. Criteria: Invitae Variant Classification Sherloc (09022015). Collection method: clinical testing. Allele origin: germline.
Comment: This sequence change replaces leucine, which is neutral and non-polar, with phenylalanine, which is neutral and non-polar, at codon 338 of the VAV1 protein (p.Leu338Phe). This variant is not present in population databases (gnomAD no frequency). This variant has not been reported in the literature in individuals affected with VAV1-related conditions. Algorithms developed to predict the effect of missense changes on protein structure and function are either unavailable or do not agree on the potential impact of this missense change (SIFT: "Deleterious"; PolyPhen-2: "Probably Damaging"; Align-GVGD: "Class C0"). In summary, the available evidence is currently insufficient to determine the role of this variant in disease. Therefore, it has been classified as a Variant of Uncertain Significance.